The following is an entry in ClinVar:

ClinVar aggregate classification (germline): Likely benign. Review status: criteria provided, multiple submitters, no conflicts (2 of 4 stars). 2 submissions from 2 submitters: Likely benign (2). Last evaluated 2018-06-19.

Allele frequency attached by ClinVar (database versions not stated): 1000 Genomes Project 0.01617; 1000 Genomes Project 30x 0.01624; gnomAD 0.02988 and 0.03145; TOPMed 0.03266.
gnomAD v4.1: 53,379 of 1,296,376 alleles (4.1%); highest among the groups gnomAD compares: Non-Finnish European, 5.1%; 1,364 homozygotes.

Submissions (2):

GeneDx
Classification: Likely benign. Last evaluated: 2018-06-19. Review status: criteria provided, single submitter. Criteria: GeneDx Variant Classification (06012015). Collection method: clinical testing. Allele origin: germline. Affected: yes.
Comment: This variant is considered likely benign or benign based on one or more of the following criteria: it is a conservative change, it occurs at a poorly conserved position in the protein, it is predicted to be benign by multiple in silico algorithms, and/or has population frequency not consistent with disease.

Breakthrough Genomics
Classification: Likely benign. Review status: criteria provided, single submitter. Criteria: ACMG Guidelines, 2015. Collection method: not provided. Allele origin: germline. Inheritance: Autosomal recessive inheritance. Affected: yes.

NM_000288.4(PEX7):c.339+108C>T

Gene: PEX7 (peroxisomal biogenesis factor 7; plus strand). Cytogenetic location: 6q23.3.
Variant type: single nucleotide variant.
Coding change: c.339+108C>T on transcript NM_000288.4 (MANE Select); 108 bases into the intron after coding-DNA position 339, C replaced by T.
Molecular consequence: intron variant.
Genome position (GRCh38, 1-based): chr6:136,826,577, C>T. VCF-style: chr6-136826577-C-T. GRCh37 (hg19) VCF-style: chr6-137147715-C-T.
Identifiers: ClinVar variation 675914 (VCV000675914.2), dbSNP rs78990055, ClinGen allele CA12420251.